The following is an entry in ClinVar:

NM_000719.7(CACNA1C):c.6022G>A (p.Ala2008Thr)

Genes: CACNA1C (calcium voltage-gated channel subunit alpha1 C; plus strand), CACNA1C-AS1 (CACNA1C antisense RNA 1; minus strand). Cytogenetic location: 12p13.33.
Variant type: single nucleotide variant.
Coding change: c.6022G>A on transcript NM_000719.7 (MANE Select); coding-DNA position 6022, G replaced by A.
Protein change: p.Ala2008Thr; replaces alanine 2008 with threonine.
Molecular consequence: missense variant.
Genome position (GRCh38, 1-based): chr12:2,688,684, G>A. VCF-style: chr12-2688684-G-A. GRCh37 (hg19) VCF-style: chr12-2797850-G-A.
Other names: c.6022G>A, p.Ala2008Thr (NM_001167623.2, NM_001129840.2, NM_001129841.2 and 2 more transcripts); c.6127G>A, p.Ala2043Thr (NM_001167624.3, NM_001129830.3); c.6202G>A, p.Ala2068Thr (NM_001167625.2); c.6271G>A, p.Ala2091Thr (NM_199460.4); c.6271G>A (NM_199460.3); c.6166G>A, p.Ala2056Thr (NM_001129827.2); c.6145G>A, p.Ala2049Thr (NM_001129829.2); c.6106G>A, p.Ala2036Thr (NM_001129831.2); and 7 more; short protein forms A2008T, A2043T, A2056T, A2068T, A2014T, A2027T, A2036T, A2005T.
Identifiers: ClinVar variation 518697 (VCV000518697.17), dbSNP rs765885227, ClinGen allele CA6390054.

ClinVar aggregate classification (germline): Conflicting classifications of pathogenicity. Review status: criteria provided, conflicting classifications (1 of 4 stars). 4 submissions from 4 submitters: Uncertain significance (2); Likely benign (2). Last evaluated 2026-07-28.

Conditions:
CACNA1C-related disorder. Also called: CACNA1C-related condition; CACNA1C-related disorders. Identifiers: MedGen CN381092, MONDO:0700321.
Long QT syndrome (LQTS). Identifiers: MedGen C0023976, MeSH D008133, MONDO:0002442. Disease mechanism: loss of function. Inheritance: Various modes of inheritance.
Cardiovascular phenotype. Identifiers: MedGen CN230736.

Allele frequency attached by ClinVar (database versions not stated): gnomAD exomes 0.00001; TOPMed 0.00004; ExAC 0.00001; gnomAD 0.00004.
gnomAD v4.1: 23 of 1,612,822 alleles (0.0014%); highest among the groups gnomAD compares: African/African-American, 0.0053%; no homozygotes.

Submissions (4):

PreventionGenetics, part of Exact Sciences
Classification: Uncertain significance for CACNA1C-related condition. Last evaluated: 2026-07-28. Review status: criteria provided, single submitter. Criteria: ACMG Guidelines, 2015. Collection method: clinical testing. Allele origin: germline.
Comment: The CACNA1C c.6022G>A variant is predicted to result in the amino acid substitution p.Ala2008Thr. To our knowledge, this variant has not been reported in the literature. This variant is reported in 0.0085% of alleles in individuals of African descent in gnomAD. At this time, the clinical significance of this variant is uncertain due to the absence of conclusive functional and genetic evidence.

Molecular Diagnostic Laboratory for Inherited Cardiovascular Disease, Montreal Heart Institute
Classification: Likely benign. Last evaluated: 2026-03-27. Review status: criteria provided, single submitter. Criteria: ACMG Guidelines, 2015. Collection method: clinical testing. Allele origin: germline. Affected: no.
Comment: BS1;BP4;BP5

Labcorp Genetics (formerly Invitae), Labcorp
Classification: Likely benign for Long QT syndrome. Last evaluated: 2025-11-11. Review status: criteria provided, single submitter. Criteria: Invitae Variant Classification Sherloc (09022015). Collection method: clinical testing. Allele origin: germline.

Ambry Genetics
Classification: Uncertain significance for Cardiovascular phenotype. Last evaluated: 2017-07-26. Review status: criteria provided, single submitter. Criteria: Ambry Variant Classification Scheme 2023. Collection method: clinical testing. Allele origin: germline.
Comment: The p.A2008T variant (also known as c.6022G>A), located in coding exon 46 of the CACNA1C gene, results from a G to A substitution at nucleotide position 6022. The alanine at codon 2008 is replaced by threonine, an amino acid with similar properties. This amino acid position is poorly conserved in available vertebrate species, and threonine is the reference amino acid in other vertebrate species. In addition, this alteration is predicted to be tolerated by in silico analysis. Since supporting evidence is limited at this time, the clinical significance of this alteration remains unclear.